The following is an entry in ClinVar:

NM_007294.4(BRCA1):c.2128A>G (p.Thr710Ala)

Gene: BRCA1 (BRCA1 DNA repair associated; minus strand). Cytogenetic location: 17q21.31.
Variant type: single nucleotide variant.
Coding change: c.2128A>G on transcript NM_007294.4 (MANE Select); coding-DNA position 2128, A replaced by G.
Protein change: p.Thr710Ala; replaces threonine 710 with alanine.
Molecular consequence: missense variant. On other transcripts: intron variant (137).
Genome position (GRCh38, 1-based): chr17:43,093,403, T>C on the plus strand (A>G on the coding strand, the complement: BRCA1 is on the minus strand). VCF-style: chr17-43093403-T-C. GRCh37 (hg19) VCF-style: chr17-41245420-T-C.
Other names: c.2002A>G, p.Thr668Ala (NM_001407689.1, NM_001407690.1, NM_001407691.1 and 11 more transcripts); c.1987A>G, p.Thr663Ala (NM_001407692.1, NM_001407694.1, NM_001407695.1 and 29 more transcripts); c.1984A>G, p.Thr662Ala (NM_001407740.1, NM_001407741.1, NM_001407742.1 and 20 more transcripts); c.1915A>G, p.Thr639Ala (NM_001407853.1, NM_001407894.1, NM_001407895.1 and 9 more transcripts); c.2128A>G, p.Thr710Ala (NM_001407854.1, NM_001407858.1, NM_001407859.1 and 30 more transcripts); c.2125A>G, p.Thr709Ala (NM_001407860.1, NM_001407861.1, NM_001407587.1 and 22 more transcripts); c.1927A>G, p.Thr643Ala (NM_001407862.1); c.2005A>G, p.Thr669Ala (NM_001407863.1, NM_001407919.1, NM_001407937.1 and 19 more transcripts); and 41 more; short protein forms T710A, T663A, T621A, T640A, T668A, T583A, T639A, T642A.
Identifiers: ClinVar variation 232737 (VCV000232737.18), dbSNP rs876659959, ClinGen allele CA10580633.

ClinVar aggregate classification (germline): Conflicting classifications of pathogenicity. Review status: criteria provided, conflicting classifications (1 of 4 stars). 4 submissions from 4 submitters: Uncertain significance (3); Likely benign (1). Last evaluated 2025-08-12.

Conditions:
Hereditary breast ovarian cancer syndrome. Also called: Hereditary breast and ovarian cancer syndrome; BRCA1- and BRCA2-Associated Hereditary Breast and Ovarian Cancer; Breast and ovarian cancer; Hereditary breast and/or ovarian cancer syndrome; Hereditary breast and ovarian cancer; Hereditary breast and ovarian cancer syndrome (HBOC). Identifiers: Orphanet 145, MedGen C0677776, MeSH D061325, MONDO:0003582. Disease mechanism: loss of function.
Hereditary cancer-predisposing syndrome. Also called: Neoplastic Syndromes, Hereditary; Tumor predisposition; Hereditary Cancer Syndrome; Hereditary neoplastic syndrome. Identifiers: Orphanet 140162, MedGen C0027672, MeSH D009386, MONDO:0015356.

Allele frequency attached by ClinVar (database versions not stated): gnomAD exomes below 0.00001.
gnomAD v4.1: 1 of 1,614,092 alleles (0.000062%); highest among the groups gnomAD compares: Non-Finnish European, 0.000085%; no homozygotes.

Submissions (4):

Color Diagnostics, LLC DBA Color Health
Classification: Uncertain significance for Hereditary cancer-predisposing syndrome. Last evaluated: 2025-08-12. Review status: criteria provided, single submitter. Criteria: ACMG Guidelines, 2015. Collection method: clinical testing. Allele origin: germline.
Comment: This missense variant replaces threonine with alanine at codon 710 of the BRCA1 protein. Computational prediction is inconclusive regarding the impact of this variant on protein structure and function. To our knowledge, functional studies have not been reported for this variant. This variant has been reported in a suspected hereditary breast and ovarian cancer family (PMID: 31409081). A multifactorial analysis has reached a combined likelihood ratio (LR) of 3.06 based on reported LR for co-occurrence with a pathogenic variant and personal and family history for 1 carrier (PMID: 31853058). This variant has not been identified in the general population by the Genome Aggregation Database (gnomAD). The available evidence is insufficient to determine the role of this variant in disease conclusively. Therefore, this variant is classified as a Variant of Uncertain Significance.

Ambry Genetics
Classification: Uncertain significance for Hereditary cancer-predisposing syndrome. Last evaluated: 2024-04-20. Review status: criteria provided, single submitter. Criteria: Ambry Variant Classification Scheme 2023. Collection method: clinical testing. Allele origin: germline.
Comment: The p.T710A variant (also known as c.2128A>G), located in coding exon 9 of the BRCA1 gene, results from an A to G substitution at nucleotide position 2128. The threonine at codon 710 is replaced by alanine, an amino acid with similar properties. In one study, this alteration was seen in 1 of 7400 Czech high risk breast and/or ovarian cancer families (Machackova E et al. Klin Onkol, 2019;32:51-71). This amino acid position is well conserved in available vertebrate species. In addition, the in silico prediction for this alteration is inconclusive. Since supporting evidence is limited at this time, the clinical significance of this alteration remains unclear.

University of Washington Department of Laboratory Medicine, University of Washington
Classification: Likely benign for Hereditary cancer-predisposing syndrome. Last evaluated: 2023-03-23. Review status: criteria provided, single submitter. Criteria: Dines et al. (Genet Med. 2020). Collection method: curation. Allele origin: germline.
Comment: Missense variant in a coldspot region where missense variants are very unlikely to be pathogenic (PMID:31911673).

BRCA1 coldspot (exon 11 using historical exon numbering). Reclassification based on statistical prior probability

Labcorp Genetics (formerly Invitae), Labcorp
Classification: Uncertain significance for Hereditary breast ovarian cancer syndrome. Last evaluated: 2018-12-01. Review status: criteria provided, single submitter. Criteria: Invitae Variant Classification Sherloc (09022015). Collection method: clinical testing. Allele origin: germline.
Comment: This sequence change replaces threonine with alanine at codon 710 of the BRCA1 protein (p.Thr710Ala). The threonine residue is moderately conserved and there is a small physicochemical difference between threonine and alanine. This variant is not present in population databases (ExAC no frequency). This variant has not been reported in the literature in individuals with BRCA1-related conditions. ClinVar contains an entry for this variant (Variation ID: 232737). Algorithms developed to predict the effect of missense changes on protein structure and function output the following: SIFT: "Tolerated"; PolyPhen-2: "Benign"; Align-GVGD: "Class C0". The alanine amino acid residue is found in multiple mammalian species, suggesting that this missense change does not adversely affect protein function. These predictions have not been confirmed by published functional studies and their clinical significance is uncertain. In summary, the available evidence is currently insufficient to determine the role of this variant in disease. Therefore, it has been classified as a Variant of Uncertain Significance.

Literature cited by the submitters: PubMed 31409081 (cited by Color Diagnostics, LLC DBA Color Health and Ambry Genetics); PubMed 31853058 (cited by Color Diagnostics, LLC DBA Color Health).